The following is an entry in ClinVar:

NM_015072.5(TTLL5):c.885C>A (p.Ser295Arg)

Gene: TTLL5 (tubulin tyrosine ligase like 5; plus strand). Cytogenetic location: 14q24.3.
Variant type: single nucleotide variant.
Coding change: c.885C>A on transcript NM_015072.5 (MANE Select); coding-DNA position 885, C replaced by A.
Protein change: p.Ser295Arg; replaces serine 295 with arginine.
Molecular consequence: missense variant.
Genome position (GRCh38, 1-based): chr14:75,719,777, C>A. VCF-style: chr14-75719777-C-A. GRCh37 (hg19) VCF-style: chr14-76186120-C-A.
Other names: short protein forms S295R.
Identifiers: ClinVar variation 1015002 (VCV001015002.9), dbSNP rs1887726658, ClinGen allele CA390458491.

ClinVar aggregate classification (germline): Uncertain significance (1 of 4 stars; one submission).

Allele frequency attached by ClinVar (database versions not stated): gnomAD exomes below 0.00001.
gnomAD v4.1: 1 of 1,613,654 alleles (0.000062%); highest among the groups gnomAD compares: East Asian, 0.0022%; no homozygotes.

Submission:

Labcorp Genetics (formerly Invitae), Labcorp
Classification: Uncertain significance. Last evaluated: 2023-04-24. Review status: criteria provided, single submitter. Criteria: Invitae Variant Classification Sherloc (09022015). Collection method: clinical testing. Allele origin: germline.
Comment: This sequence change replaces serine, which is neutral and polar, with arginine, which is basic and polar, at codon 295 of the TTLL5 protein (p.Ser295Arg). This variant is not present in population databases (gnomAD no frequency). This variant has not been reported in the literature in individuals affected with TTLL5-related conditions. ClinVar contains an entry for this variant (Variation ID: 1015002). Advanced modeling of protein sequence and biophysical properties (such as structural, functional, and spatial information, amino acid conservation, physicochemical variation, residue mobility, and thermodynamic stability) has been performed at Invitae for this missense variant, however the output from this modeling did not meet the statistical confidence thresholds required to predict the impact of this variant on TTLL5 protein function. In summary, the available evidence is currently insufficient to determine the role of this variant in disease. Therefore, it has been classified as a Variant of Uncertain Significance.